The following is an entry in ClinVar:

ClinVar aggregate classification (germline): Uncertain significance. Review status: criteria provided, multiple submitters, no conflicts (2 of 4 stars). 4 submissions from 4 submitters: Uncertain significance (4). Last evaluated 2026-05-29.

Conditions:
Inborn genetic diseases. Identifiers: MedGen C0950123, MeSH D030342.

Allele frequency attached by ClinVar (database versions not stated): gnomAD exomes below 0.00001; gnomAD 0.00005; TOPMed 0.00008.
gnomAD v4.1: 8 of 1,613,784 alleles (0.0005%); highest among the groups gnomAD compares: Admixed American, 0.012%; no homozygotes.

Submissions (4):

GeneDx
Classification: Uncertain significance. Last evaluated: 2026-05-29. Review status: criteria provided, single submitter. Criteria: GeneDx Variant Classification Process June 2021. Collection method: clinical testing. Allele origin: germline.
Comment: Not observed at significant frequency in large population cohorts (gnomAD); In silico analysis suggests that this missense variant does not alter protein structure/function; Has not been previously published as pathogenic or benign to our knowledge

Labcorp Genetics (formerly Invitae), Labcorp
Classification: Uncertain significance. Last evaluated: 2025-01-14. Review status: criteria provided, single submitter. Criteria: Invitae Variant Classification Sherloc (09022015). Collection method: clinical testing. Allele origin: germline.
Comment: This sequence change replaces valine, which is neutral and non-polar, with isoleucine, which is neutral and non-polar, at codon 772 of the CACNA1D protein (p.Val772Ile). This variant is not present in population databases (gnomAD no frequency). This variant has not been reported in the literature in individuals affected with CACNA1D-related conditions. ClinVar contains an entry for this variant (Variation ID: 505622). Invitae Evidence Modeling of protein sequence and biophysical properties (such as structural, functional, and spatial information, amino acid conservation, physicochemical variation, residue mobility, and thermodynamic stability) indicates that this missense variant is expected to disrupt CACNA1D protein function with a positive predictive value of 80%. In summary, the available evidence is currently insufficient to determine the role of this variant in disease. Therefore, it has been classified as a Variant of Uncertain Significance.

Ambry Genetics
Classification: Uncertain significance for Inborn genetic diseases. Last evaluated: 2024-08-19. Review status: criteria provided, single submitter. Criteria: Ambry Variant Classification Scheme 2023. Collection method: clinical testing. Allele origin: germline.

Laboratory for Molecular Medicine, Mass General Brigham Personalized Medicine
Classification: Uncertain significance. Last evaluated: 2017-02-28. Review status: criteria provided, single submitter. Criteria: LMM Criteria. Collection method: clinical testing. Allele origin: germline. Observed: 1 variant allele.
Comment: The p.Val772Ile variant in CACNA1D has not been previously reported in individua ls with hearing loss or SANDD syndrome or in large population studies. Computati onal prediction tools and conservation analysis suggest that the p.Val772Ile var iant may impact the protein, though this information is not predictive enough to determine pathogenicity. In summary, the clinical significance of the p.Val772I le variant is uncertain.

NM_001128840.3(CACNA1D):c.2254G>A (p.Val752Ile)

Gene: CACNA1D (calcium voltage-gated channel subunit alpha1 D; plus strand). Cytogenetic location: 3p21.1.
Variant type: single nucleotide variant.
Coding change: c.2254G>A on transcript NM_001128840.3 (MANE Select); coding-DNA position 2254, G replaced by A.
Protein change: p.Val752Ile; replaces valine 752 with isoleucine.
Molecular consequence: missense variant.
Genome position (GRCh38, 1-based): chr3:53,730,474, G>A. VCF-style: chr3-53730474-G-A. GRCh37 (hg19) VCF-style: chr3-53764501-G-A.
Other names: c.2314G>A, p.Val772Ile (NM_000720.4); c.2254G>A, p.Val752Ile (NM_001128839.3); short protein forms V772I, V752I.
Identifiers: ClinVar variation 505622 (VCV000505622.9), dbSNP rs962492548, ClinGen allele CA74852170.